The following is an entry in ClinVar:

NM_000051.4(ATM):c.8579C>T (p.Ser2860Phe)

Genes: ATM (ATM serine/threonine kinase; plus strand), C11orf65 (chromosome 11 open reading frame 65; minus strand). Cytogenetic location: 11q22.3.
Variant type: single nucleotide variant.
Coding change: c.8579C>T on transcript NM_000051.4 (MANE Select); coding-DNA position 8579, C replaced by T.
Protein change: p.Ser2860Phe; replaces serine 2860 with phenylalanine.
Molecular consequence: missense variant. On other transcripts: intron variant (2).
Genome position (GRCh38, 1-based): chr11:108,345,903, C>T. VCF-style: chr11-108345903-C-T. GRCh37 (hg19) VCF-style: chr11-108216630-C-T.
Other names: c.8579C>T, p.Ser2860Phe (NM_001351834.2); c.641-36832G>A (NM_001330368.2); c.695-10611G>A (NM_001351110.2); short protein forms S2860F.
Identifiers: ClinVar variation 2568179 (VCV002568179.2), dbSNP rs1158350157, ClinGen allele CA382518771.

ClinVar aggregate classification (germline): Uncertain significance (1 of 4 stars; one submission).

Conditions:
Hereditary cancer-predisposing syndrome. Also called: Hereditary Cancer Syndrome; Hereditary neoplastic syndrome; Neoplastic Syndromes, Hereditary; Tumor predisposition. Identifiers: Orphanet 140162, MedGen C0027672, MeSH D009386, MONDO:0015356.

Submission:

Ambry Genetics
Classification: Uncertain significance for Hereditary cancer-predisposing syndrome. Last evaluated: 2023-03-27. Review status: criteria provided, single submitter. Criteria: Ambry Variant Classification Scheme 2023. Collection method: clinical testing. Allele origin: germline.
Comment: The p.S2860F variant (also known as c.8579C>T), located in coding exon 57 of the ATM gene, results from a C to T substitution at nucleotide position 8579. The serine at codon 2860 is replaced by phenylalanine, an amino acid with highly dissimilar properties. This amino acid position is highly conserved in available vertebrate species. In addition, this alteration is predicted to be deleterious by in silico analysis. Since supporting evidence is limited at this time, the clinical significance of this alteration remains unclear.